The following is an entry in ClinVar:

NM_001711.6(BGN):c.91G>T (p.Asp31Tyr)

Gene: BGN (biglycan; plus strand). Cytogenetic location: Xq28.
Variant type: single nucleotide variant.
Coding change: c.91G>T on transcript NM_001711.6 (MANE Select); coding-DNA position 91, G replaced by T.
Protein change: p.Asp31Tyr; replaces aspartic acid 31 with tyrosine.
Molecular consequence: missense variant.
Genome position (GRCh38, 1-based): chrX:153,504,722, G>T. VCF-style: chrX-153504722-G-T. GRCh37 (hg19) VCF-style: chrX-152770180-G-T.
Other names: c.91G>T (NM_001711.4); short protein forms D31Y.
Identifiers: ClinVar variation 3006069 (VCV003006069.4), dbSNP rs1011782727, ClinGen allele CA337213520.

ClinVar aggregate classification (germline): Uncertain significance. Review status: criteria provided, multiple submitters, no conflicts (2 of 4 stars). 2 submissions from 2 submitters: Uncertain significance (2). Last evaluated 2025-10-07.

Conditions:
Cardiovascular phenotype. Identifiers: MedGen CN230736.

Allele frequency attached by ClinVar (database versions not stated): TOPMed below 0.00001.

Submissions (2):

Ambry Genetics
Classification: Uncertain significance for Cardiovascular phenotype. Last evaluated: 2025-10-07. Review status: criteria provided, single submitter. Criteria: Ambry Variant Classification Scheme 2023. Collection method: clinical testing. Allele origin: germline.

Labcorp Genetics (formerly Invitae), Labcorp
Classification: Uncertain significance. Last evaluated: 2024-01-23. Review status: criteria provided, single submitter. Criteria: Invitae Variant Classification Sherloc (09022015). Collection method: clinical testing. Allele origin: germline.
Comment: This sequence change replaces aspartic acid, which is acidic and polar, with tyrosine, which is neutral and polar, at codon 31 of the BGN protein (p.Asp31Tyr). This variant is not present in population databases (gnomAD no frequency). This variant has not been reported in the literature in individuals affected with BGN-related conditions. An algorithm developed to predict the effect of missense changes on protein structure and function (PolyPhen-2) suggests that this variant is likely to be disruptive. In summary, the available evidence is currently insufficient to determine the role of this variant in disease. Therefore, it has been classified as a Variant of Uncertain Significance.